The following is an entry in ClinVar:

NM_001166108.2(PALLD):c.2954C>T (p.Ser985Phe)

Genes: CBR4 (carbonyl reductase 4; minus strand), PALLD (palladin, cytoskeletal associated protein; plus strand). Cytogenetic location: 4q32.3.
Variant type: single nucleotide variant.
Coding change: c.2954C>T on transcript NM_001166108.2 (MANE Select); coding-DNA position 2954, C replaced by T.
Protein change: p.Ser985Phe; replaces serine 985 with phenylalanine.
Molecular consequence: missense variant.
Genome position (GRCh38, 1-based): chr4:168,921,637, C>T. VCF-style: chr4-168921637-C-T. GRCh37 (hg19) VCF-style: chr4-169842788-C-T.
Other names: c.1757C>T, p.Ser586Phe (NM_001166109.2); c.1442C>T, p.Ser481Phe (NM_001166110.2); c.782C>T, p.Ser261Phe (NM_001367567.1, NM_001367569.1); c.833C>T, p.Ser278Phe (NM_001367568.1, NM_001367570.1); c.2903C>T, p.Ser968Phe (NM_016081.4); short protein forms S278F, S985F, S261F, S481F, S586F, S968F.
Identifiers: ClinVar variation 3413572 (VCV003413572.1).

ClinVar aggregate classification (germline): Uncertain significance (1 of 4 stars; one submission).

gnomAD v4.1: 2 of 1,611,342 alleles (0.00012%); highest among the groups gnomAD compares: Non-Finnish European, 0.00017%; no homozygotes.

Submission:

Ambry Genetics
Classification: Uncertain significance. Last evaluated: 2024-07-05. Review status: criteria provided, single submitter. Criteria: Ambry Variant Classification Scheme 2023. Collection method: clinical testing. Allele origin: germline.
Comment: The p.S968F variant (also known as c.2903C>T), located in coding exon 16 of the PALLD gene, results from a C to T substitution at nucleotide position 2903. The serine at codon 968 is replaced by phenylalanine, an amino acid with highly dissimilar properties. This amino acid position is conserved. In addition, this alteration is predicted to be deleterious by in silico analysis. Based on the available evidence, the clinical significance of this variant remains unclear.